The following is an entry in ClinVar:

NM_020761.3(RPTOR):c.3180C>T (p.Phe1060=)

Gene: RPTOR (regulatory associated protein of MTOR complex 1; plus strand). Cytogenetic location: 17q25.3.
Variant type: single nucleotide variant.
Coding change: c.3180C>T on transcript NM_020761.3 (MANE Select); coding-DNA position 3180, C replaced by T.
Protein change: p.Phe1060=; no amino-acid change (phenylalanine 1060 retained).
Molecular consequence: synonymous variant.
Genome position (GRCh38, 1-based): chr17:80,947,266, C>T. VCF-style: chr17-80947266-C-T. GRCh37 (hg19) VCF-style: chr17-78921066-C-T.
Other names: c.2706C>T, p.Phe902= (NM_001163034.2).
Identifiers: ClinVar variation 5038614 (VCV005038614.1).

ClinVar aggregate classification (germline): Likely benign (1 of 4 stars; one submission).

gnomAD v4.1: 3,460 of 1,604,332 alleles (0.22%); highest among the groups gnomAD compares: Non-Finnish European, 0.25%; 7 homozygotes.

Submission:

CeGaT Center for Human Genetics Tuebingen
Classification: Likely benign. Last evaluated: 2026-07-01. Review status: criteria provided, single submitter. Criteria: CeGaT Center For Human Genetics Tuebingen Variant Classification Criteria Version 2. Collection method: clinical testing. Allele origin: germline. Affected: yes. Observed: 1 variant allele.
Comment: RPTOR: BP4